The following is an entry in ClinVar:

NM_000414.4(HSD17B4):c.1855-6T>C

Gene: HSD17B4 (hydroxysteroid 17-beta dehydrogenase 4; plus strand). Cytogenetic location: 5q23.1.
Variant type: single nucleotide variant.
Coding change: c.1855-6T>C on transcript NM_000414.4 (MANE Select); 6 bases into the intron before coding-DNA position 1855, T replaced by C.
Molecular consequence: intron variant.
Genome position (GRCh38, 1-based): chr5:119,531,260, T>C. VCF-style: chr5-119531260-T-C. GRCh37 (hg19) VCF-style: chr5-118866955-T-C.
Other names: c.1444-6T>C (NM_001374503.1, NM_001374502.1, NM_001374501.1); c.1930-6T>C (NM_001199291.3); c.1528-6T>C (NM_001374499.1); c.1414-6T>C (NM_001374500.1); c.1435-6T>C (NM_001292028.2); c.1783-6T>C (NM_001292027.2, NM_001374498.1); c.1846-6T>C (NM_001374497.1); c.1801-6T>C (NM_001199292.2); and 1 more.
Identifiers: ClinVar variation 1142075 (VCV001142075.10), dbSNP rs748702095, ClinGen allele CA3382444.
Genomic context (GRCh38, chr5:119,531,260, plus strand): 5'-ATAATCACTTTTCTCCATGAGTTATTTTTACAGAACTTTTAAAGTTTATTTTGTTGTCGT[T>C]GTTAGGGCGGGAAGCTTCAGAGTACCTTTGTATTTGAGGAAATAGGACGCCGCCTAAAGG-3'

ClinVar aggregate classification (germline): Conflicting classifications of pathogenicity. Review status: criteria provided, conflicting classifications (1 of 4 stars). 2 submissions from 2 submitters: Uncertain significance (1); Likely benign (1). Last evaluated 2026-02-09.

Conditions:
Inborn genetic diseases. Identifiers: MedGen C0950123, MeSH D030342.
Perrault syndrome. Also called: Gonadal dysgenesis with auditory dysfunction, autosomal recessive inheritance. Identifiers: Orphanet 2855, MedGen C0685838, MONDO:0017312.
Bifunctional peroxisomal enzyme deficiency (DBIF). Also called: DBP DEFICIENCY; D-bifunctional protein deficiency; PBFE DEFICIENCY. Identifiers: Orphanet 300, MedGen C0342870, MONDO:0009855, OMIM 261515. Disease mechanism: loss of function.

Allele frequency attached by ClinVar (database versions not stated): gnomAD 0.00001; ExAC 0.00002; gnomAD exomes 0.00002 and 0.00003; TOPMed 0.00003.
gnomAD v4.1: 44 of 1,613,336 alleles (0.0027%); highest among the groups gnomAD compares: Non-Finnish European, 0.0036%; no homozygotes.

Submissions (2):

Ambry Genetics
Classification: Uncertain significance for Inborn genetic diseases. Last evaluated: 2026-02-09. Review status: criteria provided, single submitter. Criteria: Ambry Variant Classification Scheme 2023. Collection method: clinical testing. Allele origin: germline.
Comment: The c.1855-6T>C intronic alteration consists of a T to C substitution 6 nucleotides before coding exon 22 in the HSD17B4 gene. Based on data from gnomAD, the C allele has an overall frequency of 0.002% (6/251194) total alleles studied. The highest observed frequency was 0.016% (3/18390) of East Asian alleles. Based on insufficient or conflicting evidence, the clinical significance of this alteration remains unclear.

Labcorp Genetics (formerly Invitae), Labcorp
Classification: Likely benign for Perrault syndrome; Bifunctional peroxisomal enzyme deficiency. Last evaluated: 2023-11-17. Review status: criteria provided, single submitter. Criteria: Invitae Variant Classification Sherloc (09022015). Collection method: clinical testing. Allele origin: germline.